The following is an entry in ClinVar:

ClinVar aggregate classification (germline): not provided (0 of 4 stars; one submission).

Conditions:
Familial long QT syndrome (RWS). Also called: Congenital long QT syndrome; Romano-Ward syndrome; VENTRICULAR FIBRILLATION WITH PROLONGED QT INTERVAL. Identifiers: Orphanet 768, MedGen C1141890, MONDO:0019171.

Submission:

Cardiovascular Biomedical Research Unit, Royal Brompton & Harefield NHS Foundation Trust
No classification provided. Condition: Familial long QT syndrome. Review status: no classification provided. Collection method: literature only. Allele origin: germline.
Comment: This variant has been reported as associated with Long QT syndrome in the following publications (PMID:18441445). This is a literature report, and does not necessarily reflect the clinical interpretation of the Imperial College / Royal Brompton Cardiovascular Genetics laboratory.

Literature cited by the submitters: PubMed 18441445; PubMed 22581653.

NM_000238.4(KCNH2):c.1769G>T (p.Gly590Val)

Gene: KCNH2 (potassium voltage-gated channel subfamily H member 2; minus strand). Cytogenetic location: 7q36.1.
Variant type: single nucleotide variant.
Coding change: c.1769G>T on transcript NM_000238.4 (MANE Select); coding-DNA position 1769, G replaced by T.
Protein change: p.Gly590Val; replaces glycine 590 with valine.
Molecular consequence: missense variant.
Genome position (GRCh38, 1-based): chr7:150,951,624, C>A on the plus strand (G>T on the coding strand, the complement: KCNH2 is on the minus strand). VCF-style: chr7-150951624-C-A. GRCh37 (hg19) VCF-style: chr7-150648712-C-A.
Other names: c.1769G>T (LRG_288t1); c.749G>T, p.Gly250Val (NM_001204798.2, NM_172057.3); c.1481G>T, p.Gly494Val (NM_001406753.1, NM_001406756.1); c.1592G>T, p.Gly531Val (NM_001406755.1); c.1469G>T, p.Gly490Val (NM_001406757.1); c.1769G>T, p.Gly590Val (NM_172056.3); short protein forms G250V, G590V, G494V, G531V, G490V.
Identifiers: ClinVar variation 67267 (VCV000067267.3), dbSNP rs199472929, ClinGen allele CA005433.
Genomic context (GRCh38, chr7:150,951,624, plus strand): 5'-TTGTCCTTGATGGAGGGGCCGCCCAGGCCGCTGCTGTTGTAGGGTTTGCCTATCTGGTCG[C>A]CCAGGTTGTGCAGCCAGCCGATGCGTGAGTCCATGTGTGGCTGCTCCATGTTGCCGATGG-3'
Protein context (NP_000229.1, residues 580-600): DSRIGWLHNL[Gly590Val]DQIGKPYNSS